The following is an entry in ClinVar:

NM_002432.3(MNDA):c.158A>G (p.Glu53Gly)

Gene: MNDA (myeloid cell nuclear differentiation antigen; plus strand). Cytogenetic location: 1q23.1.
Variant type: single nucleotide variant.
Coding change: c.158A>G on transcript NM_002432.3 (MANE Select); coding-DNA position 158, A replaced by G.
Protein change: p.Glu53Gly; replaces glutamic acid 53 with glycine.
Molecular consequence: missense variant.
Genome position (GRCh38, 1-based): chr1:158,842,311, A>G. VCF-style: chr1-158842311-A-G. GRCh37 (hg19) VCF-style: chr1-158812101-A-G.
Other names: short protein forms E53G.
Identifiers: ClinVar variation 1775869 (VCV001775869.2), dbSNP rs565724910, ClinGen allele CA343036930.

ClinVar aggregate classification (germline): Uncertain significance (1 of 4 stars; one submission).

gnomAD v4.1: 2 of 1,613,918 alleles (0.00012%); highest among the groups gnomAD compares: Non-Finnish European, 0.000085%; no homozygotes.

Submission:

Ambry Genetics
Classification: Uncertain significance. Last evaluated: 2021-11-14. Review status: criteria provided, single submitter. Criteria: Ambry Variant Classification Scheme 2023. Collection method: clinical testing. Allele origin: germline.
Comment: The p.E53G variant (also known as c.158A>G), located in coding exon 1 of the MNDA gene, results from an A to G substitution at nucleotide position 158. The glutamic acid at codon 53 is replaced by glycine, an amino acid with similar properties. This amino acid position is conserved. In addition, this alteration is predicted to be tolerated by in silico analysis. Since supporting evidence is limited at this time, the clinical significance of this alteration remains unclear.